The following is an entry in ClinVar:

NM_015909.4(NBAS):c.4599A>C (p.Ala1533=)

Gene: NBAS (NBAS subunit of NRZ tethering complex; minus strand). Cytogenetic location: 2p24.3.
Variant type: single nucleotide variant.
Coding change: c.4599A>C on transcript NM_015909.4 (MANE Select); coding-DNA position 4599, A replaced by C.
Protein change: p.Ala1533=; no amino-acid change (alanine 1533 retained).
Molecular consequence: synonymous variant. On other transcripts: non-coding transcript variant (1).
Genome position (GRCh38, 1-based): chr2:15,309,231, T>G on the plus strand (A>C on the coding strand, the complement: NBAS is on the minus strand). VCF-style: chr2-15309231-T-G. GRCh37 (hg19) VCF-style: chr2-15449355-T-G.
Other names: c.4599A>C (NM_015909.3).
Identifiers: ClinVar variation 1601551 (VCV001601551.11), dbSNP rs139902483, ClinGen allele CA1535591.

ClinVar aggregate classification (germline): Benign/Likely benign. Review status: criteria provided, multiple submitters, no conflicts (2 of 4 stars). 3 submissions from 3 submitters: Benign (1); Likely benign (1). 1 of the submissions does not count toward it. Last evaluated 2026-01-13.

Conditions:
NBAS-related disorder. Also called: NBAS-related condition.

Allele frequency attached by ClinVar (database versions not stated): gnomAD exomes 0.00007 and 0.00020; ExAC 0.00026; ESP Exome Variant Server 0.00069; gnomAD 0.00093 and 0.00098; 1000 Genomes Project 30x 0.00094; TOPMed 0.00094; 1000 Genomes Project 0.00100.
gnomAD v4.1: 245 of 1,611,878 alleles (0.015%); highest among the groups gnomAD compares: African/African-American, 0.3%; no homozygotes.

Submissions (3):

Labcorp Genetics (formerly Invitae), Labcorp
Classification: Benign. Last evaluated: 2026-01-13. Review status: criteria provided, single submitter. Criteria: Invitae Variant Classification Sherloc (09022015). Collection method: clinical testing. Allele origin: germline.

Blueprint Genetics
Classification: Likely benign. Last evaluated: 2024-11-01. Review status: criteria provided, single submitter. Criteria: ACMG Guidelines, 2015. Collection method: clinical testing. Allele origin: germline.

PreventionGenetics, part of Exact Sciences
Classification: Likely benign for NBAS-related condition. Last evaluated: 2021-12-28. Review status: no assertion criteria provided. Collection method: clinical testing. Allele origin: germline. Not counted in ClinVar's aggregate classification.
Comment: This variant is classified as likely benign based on ACMG/AMP sequence variant interpretation guidelines (Richards et al. 2015 PMID: 25741868, with internal and published modifications).